The following is an entry in ClinVar:

ClinVar aggregate classification (germline): Uncertain significance. Review status: criteria provided, multiple submitters, no conflicts (2 of 4 stars). 3 submissions from 3 submitters: Uncertain significance (3). Last evaluated 2026-08-19.

Conditions:
Autosomal dominant nonsyndromic hearing loss 23. Identifiers: Orphanet 90635, MedGen C1854594, MONDO:0011519, OMIM 605192.
Branchiootic syndrome 3 (BOS3). Also called: BO SYNDROME 3. Identifiers: MedGen C1842124, MONDO:0012025, OMIM 608389.
SIX1-related disorder. Also called: SIX1-related condition.

Allele frequency attached by ClinVar (database versions not stated): gnomAD exomes below 0.00001; gnomAD 0.00001; TOPMed 0.00001.
gnomAD v4.1: 4 of 1,612,296 alleles (0.00025%); highest among the groups gnomAD compares: Non-Finnish European, 0.00034%; no homozygotes.

Submissions (3):

GeneDx
Classification: Uncertain significance. Last evaluated: 2026-08-19. Review status: criteria provided, single submitter. Criteria: GeneDx Variant Classification Process June 2021. Collection method: clinical testing. Allele origin: germline.
Comment: Not observed at significant frequency in large population cohorts (gnomAD); In silico analysis suggests that this missense variant does not alter protein structure/function; Has not been previously published as pathogenic or benign to our knowledge

PreventionGenetics, part of Exact Sciences
Classification: Uncertain significance for SIX1-related condition. Last evaluated: 2026-07-10. Review status: criteria provided, single submitter. Criteria: ACMG Guidelines, 2015. Collection method: clinical testing. Allele origin: germline.
Comment: The SIX1 c.847G>A variant is predicted to result in the amino acid substitution p.Gly283Arg. To our knowledge, this variant has not been reported in the literature or in a large population database (gnomAD), indicating this variant is rare. At this time, the clinical significance of this variant is uncertain due to the absence of conclusive functional and genetic evidence.

Labcorp Genetics (formerly Invitae), Labcorp
Classification: Uncertain significance for Autosomal dominant nonsyndromic hearing loss 23; Branchiootic syndrome 3. Last evaluated: 2025-05-27. Review status: criteria provided, single submitter. Criteria: Invitae Variant Classification Sherloc (09022015). Collection method: clinical testing. Allele origin: germline.
Comment: This sequence change replaces glycine, which is neutral and non-polar, with arginine, which is basic and polar, at codon 283 of the SIX1 protein (p.Gly283Arg). This variant is not present in population databases (gnomAD no frequency). This variant has not been reported in the literature in individuals affected with SIX1-related conditions. ClinVar contains an entry for this variant (Variation ID: 2178593). An algorithm developed to predict the effect of missense changes on protein structure and function (PolyPhen-2) suggests that this variant is likely to be disruptive. In summary, the available evidence is currently insufficient to determine the role of this variant in disease. Therefore, it has been classified as a Variant of Uncertain Significance.

NM_005982.4(SIX1):c.847G>A (p.Gly283Arg)

Gene: SIX1 (SIX homeobox 1; minus strand). Cytogenetic location: 14q23.1.
Variant type: single nucleotide variant.
Coding change: c.847G>A on transcript NM_005982.4 (MANE Select); coding-DNA position 847, G replaced by A.
Protein change: p.Gly283Arg; replaces glycine 283 with arginine.
Molecular consequence: missense variant.
Genome position (GRCh38, 1-based): chr14:60,646,291, C>T on the plus strand (G>A on the coding strand, the complement: SIX1 is on the minus strand). VCF-style: chr14-60646291-C-T. GRCh37 (hg19) VCF-style: chr14-61113009-C-T.
Other names: c.847G>A (NM_005982.3); short protein forms G283R.
Identifiers: ClinVar variation 2178593 (VCV002178593.7), dbSNP rs1043747885, ClinGen allele CA261720370.